The following is an entry in ClinVar:

NM_006172.4(NPPA):c.320G>T (p.Arg107Leu)

Genes: NPPA (natriuretic peptide A; minus strand), NPPA-AS1 (NPPA antisense RNA 1; plus strand), LOC114827827 (VISTA enhancer hs2123; plus strand). Cytogenetic location: 1p36.22.
Variant type: single nucleotide variant.
Coding change: c.320G>T on transcript NM_006172.4 (MANE Select); coding-DNA position 320, G replaced by T.
Protein change: p.Arg107Leu; replaces arginine 107 with leucine.
Molecular consequence: missense variant.
Genome position (GRCh38, 1-based): chr1:11,847,243, C>A on the plus strand (G>T on the coding strand, the complement: NPPA is on the minus strand). VCF-style: chr1-11847243-C-A. GRCh37 (hg19) VCF-style: chr1-11907300-C-A.
Other names: short protein forms R107L.
Identifiers: ClinVar variation 1979228 (VCV001979228.4), dbSNP rs369737600, ClinGen allele CA338449933.

ClinVar aggregate classification (germline): Uncertain significance (1 of 4 stars; one submission).

Conditions:
Atrial fibrillation, familial, 6 (ATFB6). Identifiers: MedGen C2677294, MONDO:0012816, OMIM 612201.

gnomAD v4.1: 1 of 1,612,914 alleles (0.000062%); highest among the groups gnomAD compares: Non-Finnish European, 0.000085%; no homozygotes.

Submission:

Labcorp Genetics (formerly Invitae), Labcorp
Classification: Uncertain significance for Atrial fibrillation, familial, 6. Last evaluated: 2022-08-20. Review status: criteria provided, single submitter. Criteria: Invitae Variant Classification Sherloc (09022015). Collection method: clinical testing. Allele origin: germline.
Comment: In summary, the available evidence is currently insufficient to determine the role of this variant in disease. Therefore, it has been classified as a Variant of Uncertain Significance. Algorithms developed to predict the effect of missense changes on protein structure and function (SIFT, PolyPhen-2, Align-GVGD) all suggest that this variant is likely to be disruptive. This variant has not been reported in the literature in individuals affected with NPPA-related conditions. This variant is present in population databases (no rsID available, gnomAD 0.007%). This sequence change replaces arginine, which is basic and polar, with leucine, which is neutral and non-polar, at codon 107 of the NPPA protein (p.Arg107Leu).